The following is an entry in ClinVar:

ClinVar aggregate classification (germline): Uncertain significance (1 of 4 stars; one submission).

Submission:

Greenwood Genetic Center Diagnostic Laboratories, Greenwood Genetic Center
Classification: Uncertain significance. Last evaluated: 2025-10-17. Review status: criteria provided, single submitter. Criteria: ACMG Guidelines, 2015. Collection method: clinical testing. Allele origin: germline. Affected: yes.
Comment: PM2, PP2, PP3

NM_001353345.2(SETD1B):c.5051T>C (p.Ile1684Thr)

Gene: SETD1B (SET domain containing 1B, histone lysine methyltransferase; plus strand). Cytogenetic location: 12q24.31.
Variant type: single nucleotide variant.
Coding change: c.5051T>C on transcript NM_001353345.2 (MANE Select); coding-DNA position 5051, T replaced by C.
Protein change: p.Ile1684Thr; replaces isoleucine 1684 with threonine.
Molecular consequence: missense variant.
Genome position (GRCh38, 1-based): chr12:121,823,630, T>C. VCF-style: chr12-121823630-T-C. GRCh37 (hg19) VCF-style: chr12-122261536-T-C.
Other names: short protein forms I1684T.
Identifiers: ClinVar variation 4845577 (VCV004845577.1).
Genomic context (GRCh38, chr12:121,823,630, plus strand): 5'-CACCCCAGCCCCTCTTCCGGCCCCGCTCGGAGTTTGAGGAGATGACCATCCTGTATGACA[T>C]CTGGAACGGTGGCATCGATGAGGAGGACATCCGCTTCCTGTGTGTCACCTACGAGCGACT-3'
Protein context (NP_001340274.1, residues 1674-1694): EFEEMTILYD[Ile1684Thr]WNGGIDEEDI